The following is an entry in ClinVar:

NM_177438.3(DICER1):c.4221G>A (p.Met1407Ile)

Gene: DICER1 (dicer 1, ribonuclease III; minus strand). Cytogenetic location: 14q32.13.
Variant type: single nucleotide variant.
Coding change: c.4221G>A on transcript NM_177438.3 (MANE Select); coding-DNA position 4221, G replaced by A.
Protein change: p.Met1407Ile; replaces methionine 1407 with isoleucine.
Molecular consequence: missense variant. On other transcripts: non-coding transcript variant (6).
Genome position (GRCh38, 1-based): chr14:95,096,699, C>T on the plus strand (G>A on the coding strand, the complement: DICER1 is on the minus strand). VCF-style: chr14-95096699-C-T. GRCh37 (hg19) VCF-style: chr14-95563036-C-T.
Other names: c.4221G>A, p.Met1407Ile (NM_001395683.1, NM_001395684.1, NM_030621.4 and 13 more transcripts); c.3939G>A, p.Met1313Ile (NM_001395686.1); c.3816G>A, p.Met1272Ile (NM_001395687.1, NM_001395688.1, NM_001395689.1 and 2 more transcripts); c.3654G>A, p.Met1218Ile (NM_001395691.1); c.2538G>A, p.Met846Ile (NM_001395697.1); short protein forms M1218I, M1272I, M1313I, M1407I, M846I.
Identifiers: ClinVar variation 1719293 (VCV001719293.9), dbSNP rs1060503589, ClinGen allele CA390869843.
Genomic context (GRCh38, chr14:95,096,699, plus strand): 5'-CAGGCTCTCCTCCTCCTCATCCTCCTCCTCGTAATCCTCATCCAGTTTGCCATTCGCCAG[C>T]ATGCAGTCTTTTGTCTGAAACGAGGGGGAATGGGGAAGGAGGGGAAACATAGCTGCTGTT-3'
Protein context (NP_803187.1, residues 1397-1417): WEKDEMTKDC[Met1407Ile]LANGKLDEDY

ClinVar aggregate classification (germline): Uncertain significance. Review status: criteria provided, multiple submitters, no conflicts (2 of 4 stars). 2 submissions from 2 submitters: Uncertain significance (2). Last evaluated 2025-03-04.

Conditions:
DICER1-related tumor predisposition. Also called: DICER1 syndrome; DICER1-related pleuropulmonary blastoma cancer predisposition syndrome. Identifiers: Orphanet 284343, MedGen C3839822, MONDO:0100216.
Hereditary cancer-predisposing syndrome. Also called: Hereditary neoplastic syndrome; Tumor predisposition; Neoplastic Syndromes, Hereditary; Hereditary Cancer Syndrome. Identifiers: Orphanet 140162, MedGen C0027672, MeSH D009386, MONDO:0015356.

Submissions (2):

Ambry Genetics
Classification: Uncertain significance for Hereditary cancer-predisposing syndrome. Last evaluated: 2025-03-04. Review status: criteria provided, single submitter. Criteria: Ambry Variant Classification Scheme 2023. Collection method: clinical testing. Allele origin: germline.
Comment: The p.M1407I variant (also known as c.4221G>A), located in coding exon 22 of the DICER1 gene, results from a G to A substitution at nucleotide position 4221. The methionine at codon 1407 is replaced by isoleucine, an amino acid with highly similar properties. This amino acid position is not well conserved in available vertebrate species. In addition, this alteration is predicted to be tolerated by in silico analysis. Based on the available evidence, the clinical significance of this variant remains unclear.

Labcorp Genetics (formerly Invitae), Labcorp
Classification: Uncertain significance for DICER1-related tumor predisposition. Last evaluated: 2022-10-09. Review status: criteria provided, single submitter. Criteria: Invitae Variant Classification Sherloc (09022015). Collection method: clinical testing. Allele origin: germline.
Comment: This variant has not been reported in the literature in individuals affected with DICER1-related conditions. In summary, the available evidence is currently insufficient to determine the role of this variant in disease. Therefore, it has been classified as a Variant of Uncertain Significance. Algorithms developed to predict the effect of missense changes on protein structure and function (SIFT, PolyPhen-2, Align-GVGD) all suggest that this variant is likely to be tolerated. This variant is not present in population databases (gnomAD no frequency). This sequence change replaces methionine, which is neutral and non-polar, with isoleucine, which is neutral and non-polar, at codon 1407 of the DICER1 protein (p.Met1407Ile).